The following is an entry in ClinVar:

ClinVar aggregate classification (germline): Uncertain significance. Review status: criteria provided, multiple submitters, no conflicts (2 of 4 stars). 2 submissions from 2 submitters: Uncertain significance (2). Last evaluated 2025-08-29.

Conditions:
Developmental and epileptic encephalopathy, 9 (DEE9). Also called: Early infantile epileptic encephalopathy 9; EPILEPSY, FEMALE-RESTRICTED, WITH MENTAL RETARDATION; PCDH19-Related X-Linked Female-Limited Epilepsy with Mental Retardation; JUBERG-HELLMAN SYNDROME. Identifiers: Orphanet 101039, Orphanet 2076, MedGen C1848137, MONDO:0010246, OMIM 300088. Disease mechanism: loss of function.

Allele frequency attached by ClinVar (database versions not stated): gnomAD 0.00001; gnomAD exomes 0.00001; TOPMed 0.00002.

Submissions (2):

Labcorp Genetics (formerly Invitae), Labcorp
Classification: Uncertain significance for Developmental and epileptic encephalopathy, 9. Last evaluated: 2025-08-29. Review status: criteria provided, single submitter. Criteria: Invitae Variant Classification Sherloc (09022015). Collection method: clinical testing. Allele origin: germline.
Comment: This sequence change replaces isoleucine, which is neutral and non-polar, with phenylalanine, which is neutral and non-polar, at codon 100 of the PCDH19 protein (p.Ile100Phe). This variant is present in population databases (rs796052838, gnomAD 0.01%). This variant has not been reported in the literature in individuals affected with PCDH19-related conditions. ClinVar contains an entry for this variant (Variation ID: 206363). Invitae Evidence Modeling of protein sequence and biophysical properties (such as structural, functional, and spatial information, amino acid conservation, physicochemical variation, residue mobility, and thermodynamic stability) indicates that this missense variant is not expected to disrupt PCDH19 protein function with a negative predictive value of 95%. In summary, the available evidence is currently insufficient to determine the role of this variant in disease. Therefore, it has been classified as a Variant of Uncertain Significance.

GeneDx
Classification: Uncertain significance. Last evaluated: 2014-12-11. Review status: criteria provided, single submitter. Criteria: GeneDx Variant Classification (06012015). Collection method: clinical testing. Allele origin: germline. Affected: yes.
Comment: This variant is denoted p.Ile100Phe (ATC>TTC): c.298 A>T in exon 1 of the PCDH19 gene (NM_001105243.1). The I100F variant has not been published as a mutation, nor has it been reported as a benign polymorphism to our knowledge. It was not observed in approximately 6,400 individuals of European and African American ancestry in the NHLBI Exome Sequencing Project, indicating it is not a common benign variant in these populations. The I100F variant is a conservative amino acid substitution, which is not likely to impact secondary protein structure as these residues share similar properties. However, this substitution occurs at a position that is conserved through mammals, and in silico analysis is inconsistent in its predictions as to whether or not the variant is damaging to the protein structure/function. Therefore, based on the currently available information, it is unclear whether this variant is a pathogenic mutation or a rare benign variant. The variant is found in CHILD-EPIV2-1 panel(s).

NM_001184880.2(PCDH19):c.298A>T (p.Ile100Phe)

Gene: PCDH19 (protocadherin 19; minus strand). Cytogenetic location: Xq22.1.
Variant type: single nucleotide variant.
Coding change: c.298A>T on transcript NM_001184880.2 (MANE Select); coding-DNA position 298, A replaced by T.
Protein change: p.Ile100Phe; replaces isoleucine 100 with phenylalanine.
Molecular consequence: missense variant.
Genome position (GRCh38, 1-based): chrX:100,408,300, T>A on the plus strand (A>T on the coding strand, the complement: PCDH19 is on the minus strand). VCF-style: chrX-100408300-T-A. GRCh37 (hg19) VCF-style: chrX-99663298-T-A.
Other names: p.I100F:ATC>TTC; c.298A>T, p.Ile100Phe (NM_001105243.2, NM_020766.3); short protein forms I100F.
Identifiers: ClinVar variation 206363 (VCV000206363.11), dbSNP rs796052838, ClinGen allele CA316415.